The following is an entry in ClinVar:

ClinVar aggregate classification (germline): Uncertain significance (1 of 4 stars; one submission).

Submission:

Labcorp Genetics (formerly Invitae), Labcorp
Classification: Uncertain significance. Last evaluated: 2022-02-03. Review status: criteria provided, single submitter. Criteria: Invitae Variant Classification Sherloc (09022015). Collection method: clinical testing. Allele origin: germline.
Comment: This sequence change replaces histidine, which is basic and polar, with tyrosine, which is neutral and polar, at codon 24 of the ASRGL1 protein (p.His24Tyr). This variant is not present in population databases (gnomAD no frequency). In summary, the available evidence is currently insufficient to determine the role of this variant in disease. Therefore, it has been classified as a Variant of Uncertain Significance. Algorithms developed to predict the effect of missense changes on protein structure and function (SIFT, PolyPhen-2, Align-GVGD) all suggest that this variant is likely to be tolerated. ClinVar contains an entry for this variant (Variation ID: 1035687). This variant has not been reported in the literature in individuals affected with ASRGL1-related conditions.

NM_001083926.2(ASRGL1):c.70C>T (p.His24Tyr)

Gene: ASRGL1 (asparaginase and isoaspartyl peptidase 1; plus strand). Cytogenetic location: 11q12.3.
Variant type: single nucleotide variant.
Coding change: c.70C>T on transcript NM_001083926.2 (MANE Select); coding-DNA position 70, C replaced by T.
Protein change: p.His24Tyr; replaces histidine 24 with tyrosine.
Molecular consequence: missense variant.
Genome position (GRCh38, 1-based): chr11:62,338,047, C>T. VCF-style: chr11-62338047-C-T. GRCh37 (hg19) VCF-style: chr11-62105519-C-T.
Other names: c.70C>T, p.His24Tyr (NM_025080.4); short protein forms H24Y.
Identifiers: ClinVar variation 1035687 (VCV001035687.8), dbSNP rs1945768203, ClinGen allele CA380863374.
Genomic context (GRCh38, chr11:62,338,047, plus strand): 5'-ATCGTAGTGGTCCACGGCGGCGGAGCCGGTCCCATCTCCAAGGATCGGAAGGAGCGAGTG[C>T]ACCAGGGCATGGTCAGAGCCGCCACCGTGGGCTACGGCATCCTCCGGGAGGGCGGGAGCG-3'
Protein context (NP_001077395.1, residues 14-34): PISKDRKERV[His24Tyr]QGMVRAATVG